The following is an entry in ClinVar:

NM_000432.4(MYL2):c.430C>A (p.Pro144Thr)

Gene: MYL2 (myosin light chain 2; minus strand). Cytogenetic location: 12q24.11.
Variant type: single nucleotide variant.
Coding change: c.430C>A on transcript NM_000432.4 (MANE Select); coding-DNA position 430, C replaced by A.
Protein change: p.Pro144Thr; replaces proline 144 with threonine.
Molecular consequence: missense variant.
Genome position (GRCh38, 1-based): chr12:110,911,148, G>T on the plus strand (C>A on the coding strand, the complement: MYL2 is on the minus strand). VCF-style: chr12-110911148-G-T. GRCh37 (hg19) VCF-style: chr12-111348952-G-T.
Other names: short protein forms P144T.
Identifiers: ClinVar variation 409234 (VCV000409234.10), dbSNP rs777689913, ClinGen allele CA042991.
Genomic context (GRCh38, chr12:110,911,148, plus strand): 5'-CTTCTCCGTGGGTGATGATGTGCACCAGGTTCTTGTAGTCCAAGTTGCCAGTCACGTCAG[G>T]GGGGAAGGCGGCGAACATCTGGTCAACCTGCAATGAGCCAGCAACACGTGCTAAGGACGA-3'
Protein context (NP_000423.2, residues 134-154): EVDQMFAAFP[Pro144Thr]DVTGNLDYKN

ClinVar aggregate classification (germline): Uncertain significance. Review status: criteria provided, multiple submitters, no conflicts (2 of 4 stars). 2 submissions from 2 submitters: Uncertain significance (2). Last evaluated 2025-10-10.

Conditions:
Hypertrophic cardiomyopathy. Also called: HYPERTROPHIC MYOCARDIOPATHY. Identifiers: Orphanet 217569, MedGen C0007194, MeSH D002312, MONDO:0005045, HP:0001639.
Hypertrophic cardiomyopathy 10. Also called: CARDIOMYOPATHY, HYPERTROPHIC, MID-LEFT VENTRICULAR CHAMBER TYPE, 2; MYL2-Related Familial Hypertrophic Cardiomyopathy. Identifiers: MedGen C1834460, MONDO:0012112, OMIM 608758.

gnomAD v4.1: 2 of 1,613,842 alleles (0.00012%); highest among the groups gnomAD compares: Non-Finnish European, 0.00017%; no homozygotes.

Submissions (2):

Labcorp Genetics (formerly Invitae), Labcorp
Classification: Uncertain significance for Hypertrophic cardiomyopathy 10. Last evaluated: 2025-10-10. Review status: criteria provided, single submitter. Criteria: Invitae Variant Classification Sherloc (09022015). Collection method: clinical testing. Allele origin: germline.
Comment: This sequence change replaces proline, which is neutral and non-polar, with threonine, which is neutral and polar, at codon 144 of the MYL2 protein (p.Pro144Thr). This variant is not present in population databases (gnomAD no frequency). This variant has not been reported in the literature in individuals affected with MYL2-related conditions. ClinVar contains an entry for this variant (Variation ID: 409234). An algorithm developed specifically for the MYL2 gene suggests that this missense change is likely to be deleterious (PMID: 21310275). In summary, the available evidence is currently insufficient to determine the role of this variant in disease. Therefore, it has been classified as a Variant of Uncertain Significance.

All of Us Research Program, National Institutes of Health
Classification: Uncertain significance for Hypertrophic cardiomyopathy. Last evaluated: 2023-05-31. Review status: criteria provided, single submitter. Criteria: ACMG Guidelines, 2015. Collection method: clinical testing. Allele origin: germline. Inheritance: Autosomal dominant inheritance. Observed: 1 variant allele, 1 heterozygote.
Comment: This study involves interpretation of variants in research participants for the purpose of population health screening. Participant phenotype was not available at the time of variant classification. Additional details can be found in publication PMID: 35346344, PMCID: PMC8962531

Literature cited by the submitters: PubMed 21310275 (cited by Labcorp Genetics (formerly Invitae), Labcorp).